The following is an entry in ClinVar:

ClinVar aggregate classification (germline): Uncertain significance (1 of 4 stars; one submission).

Conditions:
Hereditary cancer-predisposing syndrome. Also called: Neoplastic Syndromes, Hereditary; Tumor predisposition; Hereditary Cancer Syndrome; Hereditary neoplastic syndrome. Identifiers: Orphanet 140162, MedGen C0027672, MeSH D009386, MONDO:0015356.

Allele frequency attached by ClinVar (database versions not stated): gnomAD exomes below 0.00001.
gnomAD v4.1: 1 of 1,610,232 alleles (0.000062%); highest among the groups gnomAD compares: Non-Finnish European, 0.000085%; no homozygotes.

Submission:

Ambry Genetics
Classification: Uncertain significance for Hereditary cancer-predisposing syndrome. Last evaluated: 2022-07-05. Review status: criteria provided, single submitter. Criteria: Ambry Variant Classification Scheme 2023. Collection method: clinical testing. Allele origin: germline.
Comment: The p.M294I variant (also known as c.882G>A), located in coding exon 7 of the NBN gene, results from a G to A substitution at nucleotide position 882. The methionine at codon 294 is replaced by isoleucine, an amino acid with highly similar properties. This amino acid position is conserved. In addition, this alteration is predicted to be tolerated by in silico analysis. Since supporting evidence is limited at this time, the clinical significance of this alteration remains unclear.

NM_002485.5(NBN):c.882G>A (p.Met294Ile)

Gene: NBN (nibrin; minus strand). Cytogenetic location: 8q21.3.
Variant type: single nucleotide variant.
Coding change: c.882G>A on transcript NM_002485.5 (MANE Select); coding-DNA position 882, G replaced by A.
Protein change: p.Met294Ile; replaces methionine 294 with isoleucine.
Molecular consequence: missense variant.
Genome position (GRCh38, 1-based): chr8:89,970,378, C>T on the plus strand (G>A on the coding strand, the complement: NBN is on the minus strand). VCF-style: chr8-89970378-C-T. GRCh37 (hg19) VCF-style: chr8-90982606-C-T.
Other names: c.636G>A, p.Met212Ile (NM_001024688.3); short protein forms M212I, M294I.
Identifiers: ClinVar variation 1764804 (VCV001764804.2), dbSNP rs1811450172, ClinGen allele CA371658234.
Genomic context (GRCh38, chr8:89,970,378, plus strand): 5'-AAATCTCCTACTTGCAGTTTTTTACTAATAAAGAATAATTCTATACCTTTGGAGCATATC[C>T]ATTATTGACTGAATCCATTTCTTCTGACAGTCAGGAATTAAGGTCTGTGAGTTTGTTATT-3'
Protein context (NP_002476.2, residues 284-304): DCQKKWIQSI[Met294Ile]DMLQRQGLRP